The following is an entry in ClinVar:

ClinVar aggregate classification (germline): Likely benign. Review status: criteria provided, multiple submitters, no conflicts (2 of 4 stars). 3 submissions from 3 submitters: Likely benign (3). Last evaluated 2024-12-15.

Conditions:
Inborn genetic diseases. Identifiers: MedGen C0950123, MeSH D030342.

Allele frequency attached by ClinVar (database versions not stated): ExAC 0.00001; gnomAD 0.00001; TOPMed 0.00002.
gnomAD v4.1: 20 of 1,612,438 alleles (0.0012%); highest among the groups gnomAD compares: Non-Finnish European, 0.0017%; no homozygotes.

Submissions (3):

Ambry Genetics
Classification: Likely benign for Inborn genetic diseases. Last evaluated: 2024-12-15. Review status: criteria provided, single submitter. Criteria: Ambry Variant Classification Scheme 2023. Collection method: clinical testing. Allele origin: germline.

Labcorp Genetics (formerly Invitae), Labcorp
Classification: Likely benign. Last evaluated: 2024-01-21. Review status: criteria provided, single submitter. Criteria: Invitae Variant Classification Sherloc (09022015). Collection method: clinical testing. Allele origin: germline.

CeGaT Center for Human Genetics Tuebingen
Classification: Likely benign. Last evaluated: 2023-05-01. Review status: criteria provided, single submitter. Criteria: CeGaT Center For Human Genetics Tuebingen Variant Classification Criteria Version 2. Collection method: clinical testing. Allele origin: germline. Affected: yes. Observed: 1 variant allele.
Comment: ERCC6L2: BP4, BP7

NM_020207.7(ERCC6L2):c.1383A>C (p.Leu461=)

Gene: ERCC6L2 (ERCC excision repair 6 like 2; plus strand). Cytogenetic location: 9q22.32.
Variant type: single nucleotide variant.
Coding change: c.1383A>C on transcript NM_020207.7 (MANE Select); coding-DNA position 1383, A replaced by C.
Protein change: p.Leu461=; no amino-acid change (leucine 461 retained).
Molecular consequence: synonymous variant. On other transcripts: non-coding transcript variant (1).
Genome position (GRCh38, 1-based): chr9:95,922,388, A>C. VCF-style: chr9-95922388-A-C. GRCh37 (hg19) VCF-style: chr9-98684670-A-C.
Other names: c.1383A>C, p.Leu461= (NM_001010895.4, NM_001375291.1, NM_001375292.1 and 2 more transcripts).
Identifiers: ClinVar variation 2419396 (VCV002419396.30), dbSNP rs766589063, ClinGen allele CA5139545.